The following is an entry in ClinVar:

NM_004655.4(AXIN2):c.685A>C (p.Asn229His)

Gene: AXIN2 (axin 2; minus strand). Cytogenetic location: 17q24.1.
Variant type: single nucleotide variant.
Coding change: c.685A>C on transcript NM_004655.4 (MANE Select); coding-DNA position 685, A replaced by C.
Protein change: p.Asn229His; replaces asparagine 229 with histidine.
Molecular consequence: missense variant.
Genome position (GRCh38, 1-based): chr17:65,557,936, T>G on the plus strand (A>C on the coding strand, the complement: AXIN2 is on the minus strand). VCF-style: chr17-65557936-T-G. GRCh37 (hg19) VCF-style: chr17-63554054-T-G.
Other names: c.685A>C, p.Asn229His (NM_001363813.1); short protein forms N229H.
Identifiers: ClinVar variation 3641061 (VCV003641061.2).

ClinVar aggregate classification (germline): Uncertain significance (1 of 4 stars; one submission).

Conditions:
Oligodontia-cancer predisposition syndrome. Also called: TOOTH AGENESIS-COLORECTAL CANCER SYNDROME. Identifiers: Orphanet 300576, MedGen C1837750, MONDO:0012075, OMIM 608615. Disease mechanism: loss of function.

Submission:

Labcorp Genetics (formerly Invitae), Labcorp
Classification: Uncertain significance for Oligodontia-cancer predisposition syndrome. Last evaluated: 2024-02-15. Review status: criteria provided, single submitter. Criteria: Invitae Variant Classification Sherloc (09022015). Collection method: clinical testing. Allele origin: germline.
Comment: This sequence change replaces asparagine, which is neutral and polar, with histidine, which is basic and polar, at codon 229 of the AXIN2 protein (p.Asn229His). This variant is not present in population databases (gnomAD no frequency). This variant has not been reported in the literature in individuals affected with AXIN2-related conditions. Advanced modeling of protein sequence and biophysical properties (such as structural, functional, and spatial information, amino acid conservation, physicochemical variation, residue mobility, and thermodynamic stability) performed at Invitae indicates that this missense variant is not expected to disrupt AXIN2 protein function with a negative predictive value of 80%. In summary, the available evidence is currently insufficient to determine the role of this variant in disease. Therefore, it has been classified as a Variant of Uncertain Significance.